The following is an entry in ClinVar:

ClinVar aggregate classification (germline): Uncertain significance (1 of 4 stars; one submission).

Conditions:
Lymphoproliferative syndrome 1 (LPFS1). Identifiers: Orphanet 238505, Orphanet 538963, MedGen C3552634, MONDO:0013081, OMIM 613011.

gnomAD v4.1: 6 of 1,611,414 alleles (0.00037%); highest among the groups gnomAD compares: Non-Finnish European, 0.00051%; no homozygotes.

Submission:

Labcorp Genetics (formerly Invitae), Labcorp
Classification: Uncertain significance for Lymphoproliferative syndrome 1. Last evaluated: 2024-06-02. Review status: criteria provided, single submitter. Criteria: Invitae Variant Classification Sherloc (09022015). Collection method: clinical testing. Allele origin: germline.
Comment: This sequence change replaces lysine, which is basic and polar, with threonine, which is neutral and polar, at codon 48 of the ITK protein (p.Lys48Thr). This variant is not present in population databases (gnomAD no frequency). This variant has not been reported in the literature in individuals affected with ITK-related conditions. Advanced modeling of protein sequence and biophysical properties (such as structural, functional, and spatial information, amino acid conservation, physicochemical variation, residue mobility, and thermodynamic stability) performed at Invitae indicates that this missense variant is not expected to disrupt ITK protein function with a negative predictive value of 95%. In summary, the available evidence is currently insufficient to determine the role of this variant in disease. Therefore, it has been classified as a Variant of Uncertain Significance.

NM_005546.4(ITK):c.143A>C (p.Lys48Thr)

Gene: ITK (IL2 inducible T cell kinase; plus strand). Cytogenetic location: 5q33.3.
Variant type: single nucleotide variant.
Coding change: c.143A>C on transcript NM_005546.4 (MANE Select); coding-DNA position 143, A replaced by C.
Protein change: p.Lys48Thr; replaces lysine 48 with threonine.
Molecular consequence: missense variant.
Genome position (GRCh38, 1-based): chr5:157,208,893, A>C. VCF-style: chr5-157208893-A-C. GRCh37 (hg19) VCF-style: chr5-156635904-A-C.
Other names: short protein forms K48T.
Identifiers: ClinVar variation 3684897 (VCV003684897.2).